The following is an entry in ClinVar:

NM_000334.4(SCN4A):c.3964G>A (p.Ala1322Thr)

Genes: SCN4A (sodium voltage-gated channel alpha subunit 4; minus strand), GH-LCR (growth hormone locus control region; plus strand). Cytogenetic location: 17q23.3.
Variant type: single nucleotide variant.
Coding change: c.3964G>A on transcript NM_000334.4 (MANE Select); coding-DNA position 3964, G replaced by A.
Protein change: p.Ala1322Thr; replaces alanine 1322 with threonine.
Molecular consequence: missense variant.
Genome position (GRCh38, 1-based): chr17:63,943,799, C>T on the plus strand (G>A on the coding strand, the complement: SCN4A is on the minus strand). VCF-style: chr17-63943799-C-T. GRCh37 (hg19) VCF-style: chr17-62021159-C-T.
Other names: short protein forms A1322T.
Identifiers: ClinVar variation 2869947 (VCV002869947.3), dbSNP rs1343277176, ClinGen allele CA400617055.

ClinVar aggregate classification (germline): Uncertain significance (1 of 4 stars; one submission).

Conditions:
Hyperkalemic periodic paralysis. Also called: Familial hyperkalemic periodic paralysis; Gamstorp disease. Identifiers: Orphanet 682, MedGen C0238357, MONDO:0008224, OMIM 170500, HP:0007215.

Allele frequency attached by ClinVar (database versions not stated): gnomAD exomes below 0.00001; gnomAD 0.00001.

Submission:

Labcorp Genetics (formerly Invitae), Labcorp
Classification: Uncertain significance for Hyperkalemic periodic paralysis. Last evaluated: 2023-11-04. Review status: criteria provided, single submitter. Criteria: Invitae Variant Classification Sherloc (09022015). Collection method: clinical testing. Allele origin: germline.
Comment: This sequence change replaces alanine, which is neutral and non-polar, with threonine, which is neutral and polar, at codon 1322 of the SCN4A protein (p.Ala1322Thr). This variant is not present in population databases (gnomAD no frequency). This variant has not been reported in the literature in individuals affected with SCN4A-related conditions. Advanced modeling of protein sequence and biophysical properties (such as structural, functional, and spatial information, amino acid conservation, physicochemical variation, residue mobility, and thermodynamic stability) has been performed at Invitae for this missense variant, however the output from this modeling did not meet the statistical confidence thresholds required to predict the impact of this variant on SCN4A protein function. In summary, the available evidence is currently insufficient to determine the role of this variant in disease. Therefore, it has been classified as a Variant of Uncertain Significance.